The following is an entry in ClinVar:

NM_000117.3(EMD):c.561_567dup (p.Phe190fs)

Gene: EMD (emerin; plus strand). Cytogenetic location: Xq28.
Variant type: Duplication.
Coding change: c.561_567dup on transcript NM_000117.3 (MANE Select); coding-DNA positions 561 to 567, 7 bases duplicated (CACCTCT; older notation c.561_567dupCACCTCT).
Protein change: p.Phe190fs; shifts the reading frame from phenylalanine 190.
Molecular consequence: frameshift variant.
Genome position (GRCh38, 1-based): chrX:154,380,993-154,380,999, CACCTCT duplicated. VCF-style (leftmost placement, unchanged base first): chrX-154380992-C-CCACCTCT. GRCh37 (hg19) VCF-style: chrX-153609352-C-CCACCTCT.
Other names: short protein forms F190fs.
Identifiers: ClinVar variation 1451449 (VCV001451449.6), dbSNP rs2148128862, ClinGen allele CA2573159414.

ClinVar aggregate classification (germline): Pathogenic (1 of 4 stars; one submission).

Conditions:
X-linked Emery-Dreifuss muscular dystrophy. Also called: Muscular dystrophy, tardive Emery-Dreifuss type, with contractures. Identifiers: Orphanet 261, Orphanet 98863, MedGen C0751337, MONDO:0010680.

Submission:

Labcorp Genetics (formerly Invitae), Labcorp
Classification: Pathogenic for X-linked Emery-Dreifuss muscular dystrophy. Last evaluated: 2024-03-11. Review status: criteria provided, single submitter. Criteria: Invitae Variant Classification Sherloc (09022015). Collection method: clinical testing. Allele origin: germline.
Comment: This sequence change creates a premature translational stop signal (p.Phe190Hisfs*22) in the EMD gene. While this is not anticipated to result in nonsense mediated decay, it is expected to disrupt the last 65 amino acid(s) of the EMD protein. This variant is not present in population databases (gnomAD no frequency). This variant has not been reported in the literature in individuals affected with EMD-related conditions. ClinVar contains an entry for this variant (Variation ID: 1451449). This variant disrupts a region of the EMD protein in which other variant(s) (p.Gln219Trpfs*20) have been determined to be pathogenic (PMID: 8595406, 17355552, 18646565, 31474437). This suggests that this is a clinically significant region of the protein, and that variants that disrupt it are likely to be disease-causing. For these reasons, this variant has been classified as Pathogenic.

Literature cited by the submitters: PubMed 8595406; PubMed 17355552; PubMed 18646565; PubMed 31474437.